The following is an entry in ClinVar:

ClinVar aggregate classification (germline): Uncertain significance (1 of 4 stars; one submission).

Submission:

Labcorp Genetics (formerly Invitae), Labcorp
Classification: Uncertain significance. Last evaluated: 2025-04-21. Review status: criteria provided, single submitter. Criteria: Invitae Variant Classification Sherloc (09022015). Collection method: clinical testing. Allele origin: germline.
Comment: This sequence change replaces aspartic acid, which is acidic and polar, with glutamic acid, which is acidic and polar, at codon 1286 of the SPTBN2 protein (p.Asp1286Glu). This variant is not present in population databases (gnomAD no frequency). This variant has not been reported in the literature in individuals affected with SPTBN2-related conditions. ClinVar contains an entry for this variant (Variation ID: 3610104). Invitae Evidence Modeling of protein sequence and biophysical properties (such as structural, functional, and spatial information, amino acid conservation, physicochemical variation, residue mobility, and thermodynamic stability) indicates that this missense variant is not expected to disrupt SPTBN2 protein function with a negative predictive value of 80%. In summary, the available evidence is currently insufficient to determine the role of this variant in disease. Therefore, it has been classified as a Variant of Uncertain Significance.

NM_006946.4(SPTBN2):c.3858T>G (p.Asp1286Glu)

Gene: SPTBN2 (spectrin beta, non-erythrocytic 2; minus strand). Cytogenetic location: 11q13.2.
Variant type: single nucleotide variant.
Coding change: c.3858T>G on transcript NM_006946.4 (MANE Select); coding-DNA position 3858, T replaced by G.
Protein change: p.Asp1286Glu; replaces aspartic acid 1286 with glutamic acid.
Molecular consequence: missense variant.
Genome position (GRCh38, 1-based): chr11:66,699,001, A>C on the plus strand (T>G on the coding strand, the complement: SPTBN2 is on the minus strand). VCF-style: chr11-66699001-A-C. GRCh37 (hg19) VCF-style: chr11-66466472-A-C.
Other names: c.3879T>G, p.Asp1293Glu (NM_001411025.1); short protein forms D1286E, D1293E.
Identifiers: ClinVar variation 3610104 (VCV003610104.2).
Genomic context (GRCh38, chr11:66,699,001, plus strand): 5'-AGGTGAGAAAGGGATGGCTAGGGAATATCCCGGGGCCCCAGGGAGCCTCACCTCGTGACA[A>C]TCTTGCAGGAAATGCTGCTGCTCCCGGTTGTCCCGAAGACGGCCCAGAAATTGCTGCGCT-3'
Protein context (NP_008877.2, residues 1276-1296): DNREQQHFLQ[Asp1286Glu]CHELKLWIDE